The following is an entry in ClinVar:

ClinVar aggregate classification (germline): Uncertain significance (1 of 4 stars; one submission).

Submission:

CeGaT Center for Human Genetics Tuebingen
Classification: Uncertain significance. Last evaluated: 2022-10-01. Review status: criteria provided, single submitter. Criteria: CeGaT Center For Human Genetics Tuebingen Variant Classification Criteria Version 2. Collection method: clinical testing. Allele origin: germline. Affected: yes. Observed: 1 variant allele.
Comment: LAMP2: PM2, BP4

NM_002294.3(LAMP2):c.1160G>T (p.Gly387Val)

Gene: LAMP2 (lysosome associated membrane protein 2; minus strand). Cytogenetic location: Xq24.
Variant type: single nucleotide variant.
Coding change: c.1160G>T on transcript NM_002294.3 (MANE Select); coding-DNA position 1160, G replaced by T.
Protein change: p.Gly387Val; replaces glycine 387 with valine.
Molecular consequence: missense variant. On other transcripts: intron variant (1).
Genome position (GRCh38, 1-based): chrX:120,431,396, C>A on the plus strand (G>T on the coding strand, the complement: LAMP2 is on the minus strand). VCF-style: chrX-120431396-C-A. GRCh37 (hg19) VCF-style: chrX-119565251-C-A.
Other names: c.1094-2770G>T (NM_001122606.1); short protein forms G387V.
Identifiers: ClinVar variation 2661327 (VCV002661327.24), dbSNP rs2058522449, ClinGen allele CA414398286.